The following is an entry in ClinVar:

ClinVar aggregate classification (germline): Uncertain significance. Review status: criteria provided, multiple submitters, no conflicts (2 of 4 stars). 2 submissions from 2 submitters: Uncertain significance (2). Last evaluated 2026-08-24.

Conditions:
EGFR-related lung cancer (EGFR). Identifiers: MedGen CN130014.
Hereditary cancer-predisposing syndrome. Also called: Tumor predisposition; Hereditary Cancer Syndrome; Hereditary neoplastic syndrome; Neoplastic Syndromes, Hereditary. Identifiers: Orphanet 140162, MedGen C0027672, MeSH D009386, MONDO:0015356.

Submissions (2):

Ambry Genetics
Classification: Uncertain significance for Hereditary cancer-predisposing syndrome. Last evaluated: 2026-08-24. Review status: criteria provided, single submitter. Criteria: Ambry Variant Classification Scheme 2023. Collection method: clinical testing. Allele origin: germline.
Comment: The p.N280K variant (also known as c.840C>A), located in coding exon 7 of the EGFR gene, results from a C to A substitution at nucleotide position 840. The asparagine at codon 280 is replaced by lysine, an amino acid with similar properties. This amino acid position is highly conserved in available vertebrate species. In addition, this alteration is predicted to be tolerated by in silico analysis. Based on the available evidence, the clinical significance of this variant remains unclear.

Labcorp Genetics (formerly Invitae), Labcorp
Classification: Uncertain significance for EGFR-related lung cancer. Last evaluated: 2024-07-02. Review status: criteria provided, single submitter. Criteria: Invitae Variant Classification Sherloc (09022015). Collection method: clinical testing. Allele origin: germline.
Comment: This sequence change replaces asparagine, which is neutral and polar, with lysine, which is basic and polar, at codon 280 of the EGFR protein (p.Asn280Lys). This variant is not present in population databases (gnomAD no frequency). This variant has not been reported in the literature in individuals affected with EGFR-related conditions. ClinVar contains an entry for this variant (Variation ID: 1000076). Advanced modeling of protein sequence and biophysical properties (such as structural, functional, and spatial information, amino acid conservation, physicochemical variation, residue mobility, and thermodynamic stability) has been performed at Invitae for this missense variant, however the output from this modeling did not meet the statistical confidence thresholds required to predict the impact of this variant on EGFR protein function. In summary, the available evidence is currently insufficient to determine the role of this variant in disease. Therefore, it has been classified as a Variant of Uncertain Significance.

NM_005228.5(EGFR):c.840C>A (p.Asn280Lys)

Gene: EGFR (epidermal growth factor receptor; plus strand). Cytogenetic location: 7p11.2.
Variant type: single nucleotide variant.
Coding change: c.840C>A on transcript NM_005228.5 (MANE Select); coding-DNA position 840, C replaced by A.
Protein change: p.Asn280Lys; replaces asparagine 280 with lysine.
Molecular consequence: missense variant. On other transcripts: intron variant (1).
Genome position (GRCh38, 1-based): chr7:55,154,103, C>A. VCF-style: chr7-55154103-C-A. GRCh37 (hg19) VCF-style: chr7-55221796-C-A.
Other names: c.705C>A, p.Asn235Lys (NM_001346897.2, NM_001346899.2); c.840C>A, p.Asn280Lys (NM_001346898.2, NM_201282.2, NM_201283.2 and 1 more transcripts); c.681C>A, p.Asn227Lys (NM_001346900.2); c.89-1727C>A (NM_001346941.2); c.840C>A (NM_005228.3); short protein forms N227K, N235K, N280K.
Identifiers: ClinVar variation 1000076 (VCV001000076.9), dbSNP rs1785290769, ClinGen allele CA367577791.